The following is an entry in ClinVar:

NM_138638.5(CFL2):c.311+18A>G

Gene: CFL2 (cofilin 2; minus strand). Cytogenetic location: 14q13.1.
Variant type: single nucleotide variant.
Coding change: c.311+18A>G on transcript NM_138638.5 (MANE Select); 18 bases into the intron after coding-DNA position 311, A replaced by G.
Molecular consequence: intron variant.
Genome position (GRCh38, 1-based): chr14:34,713,236, T>C on the plus strand (A>G on the coding strand, the complement: CFL2 is on the minus strand). VCF-style: chr14-34713236-T-C. GRCh37 (hg19) VCF-style: chr14-35182442-T-C.
Other names: c.260+18A>G (NM_001243645.2); c.311+18A>G (NM_021914.8).
Identifiers: ClinVar variation 508492 (VCV000508492.1), dbSNP rs1555333777, ClinGen allele CA658798205.
Genomic context (GRCh38, chr14:34,713,236, plus strand): 5'-AAAAACAAAGGTAAGACTGACTATGATAATAATAATCCTTGCATTTTAAAAGTACTTTTT[T>C]CTTTTGTTTTTACACACCAGAATATAAATACTAGGTCTTCTTTCTTAGACTCTTTTGTTT-3'

ClinVar aggregate classification (germline): Likely benign (1 of 4 stars; one submission).

Submission:

GeneDx
Classification: Likely benign. Last evaluated: 2017-03-31. Review status: criteria provided, single submitter. Criteria: GeneDx Variant Classification (06012015). Collection method: clinical testing. Allele origin: germline. Affected: yes.
Comment: This variant is considered likely benign or benign based on one or more of the following criteria: it is a conservative change, it occurs at a poorly conserved position in the protein, it is predicted to be benign by multiple in silico algorithms, and/or has population frequency not consistent with disease.